The following is an entry in ClinVar:

ClinVar aggregate classification (germline): Uncertain significance (1 of 4 stars; one submission).

Conditions:
Familial visceral amyloidosis, Ostertag type (AMYLD2). Also called: Amyloidosis, hepatic and systemic; Familial visceral amyloidosis; Ostertag type amyloidosis; AMYLOIDOSIS, HEREDITARY SYSTEMIC 2; AMYLOIDOSIS VIII; Hereditary Renal Amyloidosis. Identifiers: Orphanet 85450, MedGen C0268389, MONDO:0007099, OMIM 105200.

Submission:

OLLIN Analises Genomicas, OLLIN
Classification: Uncertain significance for Familial visceral amyloidosis, Ostertag type. Last evaluated: 2026-08-06. Review status: criteria provided, single submitter. Criteria: ACMG Guidelines 2015 PMID 25741868. Collection method: clinical testing. Allele origin: germline.
Comment: This missense variant, located in exon 5 (of 5), is absent from gnomAD and ClinVar and has not been identified in the literature. In silico analysis predicts that this variant has a tolerated effect. According to the currently available evidence, this variant has been classified as uncertain significance (PM2_P, BP4_M).

NM_021871.4(FGA):c.1861A>G (p.Arg621Gly)

Gene: FGA (fibrinogen alpha chain; minus strand). Cytogenetic location: 4q31.3.
Variant type: single nucleotide variant.
Coding change: c.1861A>G on transcript NM_021871.4 (MANE Select); coding-DNA position 1861, A replaced by G.
Protein change: p.Arg621Gly; replaces arginine 621 with glycine.
Molecular consequence: missense variant.
Genome position (GRCh38, 1-based): chr4:154,585,568, T>C on the plus strand (A>G on the coding strand, the complement: FGA is on the minus strand). VCF-style: chr4-154585568-T-C. GRCh37 (hg19) VCF-style: chr4-155506720-T-C.
Other names: c.1861A>G, p.Arg621Gly (NM_000508.5); short protein forms R621G.
Identifiers: ClinVar variation 5003148 (VCV005003148.1).
Genomic context (GRCh38, chr4:154,585,568, plus strand): 5'-AAGGCTTCCCCAAAGGAGAAGTGTGGATACCTCTGACAGGGCGAGATTTAGCATGGCCTC[T>C]CTTGGTGCTATGTGTTCCTTCATGATCGGCTTCACTTCCGGCCTCATCTGCCATTTTATA-3'
Protein context (NP_068657.1, residues 611-631): ADHEGTHSTK[Arg621Gly]GHAKSRPVRG